The following is an entry in ClinVar:

NM_033380.3(COL4A5):c.1055dup (p.Ile353fs)

Gene: COL4A5 (collagen type IV alpha 5 chain; plus strand). Cytogenetic location: Xq22.3.
Variant type: Duplication.
Coding change: c.1055dup on transcript NM_033380.3 (MANE Select); coding-DNA position 1055, one base duplicated (G; older notation c.1055dupG).
Protein change: p.Ile353fs; shifts the reading frame from isoleucine 353.
Molecular consequence: frameshift variant.
Genome position (GRCh38, 1-based): chrX:108,586,637, G duplicated; the last of 2 consecutive G bases (chrX:108,586,636-108,586,637); duplicating either gives the same sequence. VCF-style (leftmost placement, unchanged base first): chrX-108586635-T-TG. GRCh37 (hg19) VCF-style: chrX-107829865-T-TG.
Other names: c.1055dup, p.Ile353fs (NM_000495.5); short protein forms I353fs.
Identifiers: ClinVar variation 5012269 (VCV005012269.1).

ClinVar aggregate classification (germline): Pathogenic (1 of 4 stars; one submission).

Conditions:
X-linked Alport syndrome (ATS1). Also called: NEPHROPATHY AND DEAFNESS, X-LINKED; COL4A5-Related Nephropathy. Identifiers: Orphanet 63, Orphanet 88917, MedGen C4746986, MONDO:0010520, OMIM 301050.

Submission:

Myriad Genetics, Inc.
Classification: Pathogenic for X-linked Alport syndrome. Last evaluated: 2023-09-27. Review status: criteria provided, single submitter. Criteria: Myriad Autosomal Dominant, Autosomal Recessive and X-Linked Classification Criteria (2023). Collection method: clinical testing. Allele origin: unknown.
Comment: NM_000495.4(COL4A5):c.1055dupG(I353Yfs*58) is expected to be pathogenic in the context of X-linked Alport syndrome. This variant is predicted to lead to an abnormal or absent protein product due to the creation of a premature termination codon in COL4A5, a gene where loss-of-function variants are known to be pathogenic. Please note: this variant was assessed in the context of healthy population screening.